The following is an entry in ClinVar:

NM_024642.5(GALNT12):c.1193G>T (p.Arg398Leu)

Gene: GALNT12 (polypeptide N-acetylgalactosaminyltransferase 12; plus strand). Cytogenetic location: 9q22.33.
Variant type: single nucleotide variant.
Coding change: c.1193G>T on transcript NM_024642.5 (MANE Select); coding-DNA position 1193, G replaced by T.
Protein change: p.Arg398Leu; replaces arginine 398 with leucine.
Molecular consequence: missense variant.
Genome position (GRCh38, 1-based): chr9:98,837,129, G>T. VCF-style: chr9-98837129-G-T. GRCh37 (hg19) VCF-style: chr9-101599411-G-T.
Other names: short protein forms R398L.
Identifiers: ClinVar variation 1745494 (VCV001745494.4), dbSNP rs769674764, ClinGen allele CA374220041.
Genomic context (GRCh38, chr9:98,837,129, plus strand): 5'-CCAACAGTGTTCGTGCAGCTGAAGTATGGATGGATGAATTTAAAGAGCTCTACTACCATC[G>T]CAACCCCCGTGCCCGCTTGGTGAGTTCCTCGGCCCACCTGCACTCCATCTGGCTTCATCT-3'
Protein context (NP_078918.3, residues 388-408): MDEFKELYYH[Arg398Leu]NPRARLEPFG

ClinVar aggregate classification (germline): Uncertain significance (1 of 4 stars; one submission).

Submission:

Ambry Genetics
Classification: Uncertain significance. Last evaluated: 2025-03-28. Review status: criteria provided, single submitter. Criteria: Ambry Variant Classification Scheme 2023. Collection method: clinical testing. Allele origin: germline.
Comment: The p.R398L variant (also known as c.1193G>T), located in coding exon 6 of the GALNT12 gene, results from a G to T substitution at nucleotide position 1193. The arginine at codon 398 is replaced by leucine, an amino acid with dissimilar properties. This amino acid position is highly conserved in available vertebrate species. In addition, this alteration is predicted to be deleterious by in silico analysis. Since supporting evidence is limited at this time, the clinical significance of this alteration remains unclear.